The following is an entry in ClinVar:

ClinVar aggregate classification (germline): Uncertain significance (1 of 4 stars; one submission).

Submission:

Labcorp Genetics (formerly Invitae), Labcorp
Classification: Uncertain significance. Last evaluated: 2022-08-23. Review status: criteria provided, single submitter. Criteria: Invitae Variant Classification Sherloc (09022015). Collection method: clinical testing. Allele origin: germline.
Comment: In summary, the available evidence is currently insufficient to determine the role of this variant in disease. Therefore, it has been classified as a Variant of Uncertain Significance. Algorithms developed to predict the effect of missense changes on protein structure and function output the following: SIFT: "Tolerated"; PolyPhen-2: "Benign"; Align-GVGD: "Class C0". The serine amino acid residue is found in multiple mammalian species, which suggests that this missense change does not adversely affect protein function. This sequence change replaces cysteine, which is neutral and slightly polar, with serine, which is neutral and polar, at codon 500 of the SLC1A4 protein (p.Cys500Ser). This variant is not present in population databases (gnomAD no frequency). This variant has not been reported in the literature in individuals affected with SLC1A4-related conditions. ClinVar contains an entry for this variant (Variation ID: 1487292).

NM_003038.5(SLC1A4):c.1499G>C (p.Cys500Ser)

Gene: SLC1A4 (solute carrier family 1 member 4; plus strand). Cytogenetic location: 2p14.
Variant type: single nucleotide variant.
Coding change: c.1499G>C on transcript NM_003038.5 (MANE Select); coding-DNA position 1499, G replaced by C.
Protein change: p.Cys500Ser; replaces cysteine 500 with serine.
Molecular consequence: missense variant.
Genome position (GRCh38, 1-based): chr2:65,021,046, G>C. VCF-style: chr2-65021046-G-C. GRCh37 (hg19) VCF-style: chr2-65248180-G-C.
Other names: c.605G>C, p.Cys202Ser (NM_001193493.2); c.839G>C, p.Cys280Ser (NM_001348406.2, NM_001348407.2); short protein forms C202S, C280S, C500S.
Identifiers: ClinVar variation 1487292 (VCV001487292.6), dbSNP rs2103685318, ClinGen allele CA347012592.